The following is an entry in ClinVar:

ClinVar aggregate classification (germline): Likely pathogenic (1 of 4 stars; one submission).

Submission:

GeneDx
Classification: Likely pathogenic. Last evaluated: 2015-09-27. Review status: criteria provided, single submitter. Criteria: GeneDx Variant Classification (06012015). Collection method: clinical testing. Allele origin: germline. Affected: yes.
Comment: p.Tyr264Asn (TAC>AAC): c.790 T>A in exon 5 of the KCNQ2 gene (NM_172107.2) A Y264N variant that is likely pathogenic has been identified in the KCNQ2 gene. The Y264N variant has not been published as a mutation, nor has it been reported as a benign polymorphism to our knowledge. It was not observed in approximately 6,500 individuals of European and African American ancestry in the NHLBI Exome Sequencing Project, indicating it is not a common benign variant in these populations. The Y264N variant is a semi-conservative amino acid substitution, which may impact secondary protein structure as these residues differ in some properties. This substitution occurs at a position between transmembrane domains 5 and 6 that is conserved across species, and in silico analysis predicts this variant is probably damaging to the protein structure/function. Missense mutations in an adjacent residue (A265P, A265V, A265T) have been reported in association with infantile and early onset epileptic encephalopathy, supporting the functional importance of this region of the protein. Therefore, this variant is a strong candidate for a pathogenic mutation, however the possibility that it is a benign variant cannot be excluded. The variant is found in INFANT-EPI panel(s).

NM_172107.4(KCNQ2):c.790T>A (p.Tyr264Asn)

Gene: KCNQ2 (potassium voltage-gated channel subfamily Q member 2; minus strand). Cytogenetic location: 20q13.33.
Variant type: single nucleotide variant.
Coding change: c.790T>A on transcript NM_172107.4 (MANE Select); coding-DNA position 790, T replaced by A.
Protein change: p.Tyr264Asn; replaces tyrosine 264 with asparagine.
Molecular consequence: missense variant.
Genome position (GRCh38, 1-based): chr20:63,442,432, A>T on the plus strand (T>A on the coding strand, the complement: KCNQ2 is on the minus strand). VCF-style: chr20-63442432-A-T. GRCh37 (hg19) VCF-style: chr20-62073785-A-T.
Other names: p.Y264N:TAC>AAC; c.790T>A, p.Tyr264Asn (NM_004518.6, NM_172106.3, NM_172108.5 and 1 more transcripts); short protein forms Y264N.
Identifiers: ClinVar variation 205880 (VCV000205880.2), dbSNP rs796052632, ClinGen allele CA315389.
Genomic context (GRCh38, chr20:63,442,432, plus strand): 5'-AGGGAAAGGGAAAACCACAATGACCACAACTCACCAGGCCCCACCAGAGTGCATCCGCGT[A>T]GGTGTCAAAGTGGTCGTTCTCCCCCTTCTCTGCCAAGTACACCAGGAACGAGGCCAGGAT-3'
Protein context (NP_742105.1, residues 254-274): EKGENDHFDT[Tyr264Asn]ADALWWGLIT